The following is an entry in ClinVar:

NM_004958.4(MTOR):c.5785G>T (p.Ala1929Ser)

Gene: MTOR (mechanistic target of rapamycin kinase; minus strand). Cytogenetic location: 1p36.22.
Variant type: single nucleotide variant.
Coding change: c.5785G>T on transcript NM_004958.4 (MANE Select); coding-DNA position 5785, G replaced by T.
Protein change: p.Ala1929Ser; replaces alanine 1929 with serine.
Molecular consequence: missense variant.
Genome position (GRCh38, 1-based): chr1:11,128,881, C>A on the plus strand (G>T on the coding strand, the complement: MTOR is on the minus strand). VCF-style: chr1-11128881-C-A. GRCh37 (hg19) VCF-style: chr1-11188938-C-A.
Other names: short protein forms A1929S.
Identifiers: ClinVar variation 998427 (VCV000998427.8), dbSNP rs1482369896, ClinGen allele CA338396644.

ClinVar aggregate classification (germline): Uncertain significance (1 of 4 stars; one submission).

Submission:

Labcorp Genetics (formerly Invitae), Labcorp
Classification: Uncertain significance. Last evaluated: 2018-04-24. Review status: criteria provided, single submitter. Criteria: Invitae Variant Classification Sherloc (09022015). Collection method: clinical testing. Allele origin: germline.
Comment: In summary, the available evidence is currently insufficient to determine the role of this variant in disease. Therefore, it has been classified as a Variant of Uncertain Significance. Algorithms developed to predict the effect of missense changes on protein structure and function (SIFT, PolyPhen-2, Align-GVGD) all suggest that this variant is likely to be tolerated, but these predictions have not been confirmed by published functional studies and their clinical significance is uncertain. This variant has not been reported in the literature in individuals with MTOR-related disease. This variant is not present in population databases (ExAC no frequency). This sequence change replaces alanine with serine at codon 1929 of the MTOR protein (p.Ala1929Ser). The alanine residue is moderately conserved and there is a moderate physicochemical difference between alanine and serine.